The following is an entry in ClinVar:

NM_013450.4(BAZ2B):c.5797-1G>C

Gene: BAZ2B (bromodomain adjacent to zinc finger domain 2B; minus strand). Cytogenetic location: 2q24.2.
Variant type: single nucleotide variant.
Coding change: c.5797-1G>C on transcript NM_013450.4 (MANE Select); the canonical splice acceptor site of the intron before coding-DNA position 5797, G replaced by C.
Molecular consequence: splice acceptor variant.
Genome position (GRCh38, 1-based): chr2:159,332,687, C>G on the plus strand (G>C on the coding strand, the complement: BAZ2B is on the minus strand). VCF-style: chr2-159332687-C-G. GRCh37 (hg19) VCF-style: chr2-160189198-C-G.
Other names: c.5689-1G>C (NM_001289975.1); c.5740-1G>C (NM_001329857.2); c.5722-1G>C (NM_001329858.2).
Identifiers: ClinVar variation 2430249 (VCV002430249.2), dbSNP rs2471337904, ClinGen allele CA348922510.

ClinVar aggregate classification (germline): Likely pathogenic (1 of 4 stars; one submission).

Conditions:
BAZ2B-associated neurodevelopmental disorder.

Submission:

Institute of Human Genetics, University of Leipzig Medical Center
Classification: Likely pathogenic for BAZ2B-associated neurodevelopmental disorder. Last evaluated: 2024-07-24. Review status: criteria provided, single submitter. Criteria: ACMG Guidelines, 2015. Collection method: clinical testing. Allele origin: paternal. Inheritance: Autosomal dominant inheritance. Affected: yes.
Comment: Loss of Function variants are known to cause the disease (PMID: 37872713). Criteria applied: PVS1, PM2_SUP

Literature cited by the submitters: PubMed 37872713.